The following is an entry in ClinVar:

NM_001127255.2(NLRP7):c.298A>G (p.Ile100Val)

Gene: NLRP7 (NLR family pyrin domain containing 7; minus strand). Cytogenetic location: 19q13.42.
Variant type: single nucleotide variant.
Coding change: c.298A>G on transcript NM_001127255.2 (MANE Select); coding-DNA position 298, A replaced by G.
Protein change: p.Ile100Val; replaces isoleucine 100 with valine.
Molecular consequence: missense variant.
Genome position (GRCh38, 1-based): chr19:54,940,985, T>C on the plus strand (A>G on the coding strand, the complement: NLRP7 is on the minus strand). VCF-style: chr19-54940985-T-C. GRCh37 (hg19) VCF-style: chr19-55452353-T-C.
Other names: c.298A>G, p.Ile100Val (NM_001405531.1, NM_139176.4, NM_206828.4); short protein forms I100V.
Identifiers: ClinVar variation 1031155 (VCV001031155.19), dbSNP rs150677758, ClinGen allele CA310020658.

ClinVar aggregate classification (germline): Conflicting classifications of pathogenicity. Review status: criteria provided, conflicting classifications (1 of 4 stars). 4 submissions from 4 submitters: Uncertain significance (2); Likely benign (1). 1 of the submissions does not count toward it. Last evaluated 2025-02-01.

Conditions:
NLRP7-related disorder. Also called: NLRP7-related condition.
Hydatidiform mole, recurrent, 1 (HYDM1). Identifiers: Orphanet 254688, Orphanet 99927, MedGen C3463897, MONDO:0009273, OMIM 231090. Disease mechanism: loss of function.
Inborn genetic diseases. Identifiers: MedGen C0950123, MeSH D030342.

Allele frequency attached by ClinVar (database versions not stated): gnomAD exomes 0.00015 and 0.00023; ExAC 0.00030; gnomAD 0.00068 and 0.00071; TOPMed 0.00078; ESP Exome Variant Server 0.00085; 1000 Genomes Project 0.00100; 1000 Genomes Project 30x 0.00125.
gnomAD v4.1: 336 of 1,612,292 alleles (0.021%); highest among the groups gnomAD compares: African/African-American, 0.25%; 3 homozygotes.

Submissions (4):

CeGaT Center for Human Genetics Tuebingen
Classification: Likely benign. Last evaluated: 2025-02-01. Review status: criteria provided, single submitter. Criteria: CeGaT Center For Human Genetics Tuebingen Variant Classification Criteria Version 2. Collection method: clinical testing. Allele origin: germline. Affected: yes. Observed: 1 variant allele.
Comment: NLRP7: BP4

Ambry Genetics
Classification: Uncertain significance for Inborn genetic diseases. Last evaluated: 2021-08-17. Review status: criteria provided, single submitter. Criteria: Ambry Variant Classification Scheme 2023. Collection method: clinical testing. Allele origin: germline.

Baylor Genetics
Classification: Uncertain significance for Hydatidiform mole, recurrent, 1. Last evaluated: 2020-02-14. Review status: criteria provided, single submitter. Criteria: ACMG Guidelines, 2015. Collection method: clinical testing. Allele origin: unknown. Affected: yes.
Comment: This variant was determined to be of uncertain significance according to ACMG Guidelines, 2015 [PMID:25741868].

PreventionGenetics, part of Exact Sciences
Classification: Likely benign for NLRP7-related condition. Last evaluated: 2023-04-04. Review status: no assertion criteria provided. Collection method: clinical testing. Allele origin: germline. Not counted in ClinVar's aggregate classification.
Comment: This variant is classified as likely benign based on ACMG/AMP sequence variant interpretation guidelines (Richards et al. 2015 PMID: 25741868, with internal and published modifications).